The following is an entry in ClinVar:

ClinVar aggregate classification (germline): Uncertain significance (1 of 4 stars; one submission).

Conditions:
Hereditary cancer-predisposing syndrome. Also called: Neoplastic Syndromes, Hereditary; Tumor predisposition; Hereditary neoplastic syndrome; Hereditary Cancer Syndrome. Identifiers: Orphanet 140162, MedGen C0027672, MeSH D009386, MONDO:0015356.
Cardiovascular phenotype. Identifiers: MedGen CN230736.

Submission:

Ambry Genetics
Classification: Uncertain significance for Cardiovascular phenotype; Hereditary cancer-predisposing syndrome. Last evaluated: 2023-09-07. Review status: criteria provided, single submitter. Criteria: Ambry Variant Classification Scheme 2023. Collection method: clinical testing. Allele origin: germline.
Comment: The p.S1546A variant (also known as c.4636T>G), located in coding exon 34 of the NF1 gene, results from a T to G substitution at nucleotide position 4636. The serine at codon 1546 is replaced by alanine, an amino acid with similar properties. This amino acid position is highly conserved in available vertebrate species. In addition, this alteration is predicted to be tolerated by in silico analysis. Since supporting evidence is limited at this time, the clinical significance of this alteration remains unclear.

NM_001042492.3(NF1):c.4699T>G (p.Ser1567Ala)

Gene: NF1 (neurofibromin 1; plus strand). Cytogenetic location: 17q11.2.
Variant type: single nucleotide variant.
Coding change: c.4699T>G on transcript NM_001042492.3 (MANE Select); coding-DNA position 4699, T replaced by G.
Protein change: p.Ser1567Ala; replaces serine 1567 with alanine.
Molecular consequence: missense variant.
Genome position (GRCh38, 1-based): chr17:31,261,832, T>G. VCF-style: chr17-31261832-T-G. GRCh37 (hg19) VCF-style: chr17-29588850-T-G.
Other names: c.4636T>G, p.Ser1546Ala (NM_000267.4); short protein forms S1546A, S1567A.
Identifiers: ClinVar variation 3237794 (VCV003237794.1), dbSNP rs2151466490.
Genomic context (GRCh38, chr17:31,261,832, plus strand): 5'-GGTCCTCCAGAGCACAAACCTGTGGCAGATACACACTGGTCCAGCCTTAACCTTACCAGT[T>G]CAAAGTTTGAGGAATTTATGACTAGGTAAAGTACAACCTTGAAATAGTTGATTGCTTTCT-3'
Protein context (NP_001035957.1, residues 1557-1577): THWSSLNLTS[Ser1567Ala]KFEEFMTRHQ